The following is an entry in ClinVar:

ClinVar aggregate classification (germline): Uncertain significance (1 of 4 stars; one submission).

Submission:

Labcorp Genetics (formerly Invitae), Labcorp
Classification: Uncertain significance. Last evaluated: 2022-09-19. Review status: criteria provided, single submitter. Criteria: Invitae Variant Classification Sherloc (09022015). Collection method: clinical testing. Allele origin: germline.
Comment: In summary, the available evidence is currently insufficient to determine the role of this variant in disease. Therefore, it has been classified as a Variant of Uncertain Significance. Advanced modeling of protein sequence and biophysical properties (such as structural, functional, and spatial information, amino acid conservation, physicochemical variation, residue mobility, and thermodynamic stability) has been performed at Invitae for this missense variant, however the output from this modeling did not meet the statistical confidence thresholds required to predict the impact of this variant on MYO5B protein function. This variant has not been reported in the literature in individuals affected with MYO5B-related conditions. This variant is not present in population databases (gnomAD no frequency). This sequence change replaces proline, which is neutral and non-polar, with leucine, which is neutral and non-polar, at codon 272 of the MYO5B protein (p.Pro272Leu).

NM_001080467.3(MYO5B):c.815C>T (p.Pro272Leu)

Gene: MYO5B (myosin VB; minus strand). Cytogenetic location: 18q21.1.
Variant type: single nucleotide variant.
Coding change: c.815C>T on transcript NM_001080467.3 (MANE Select); coding-DNA position 815, C replaced by T.
Protein change: p.Pro272Leu; replaces proline 272 with leucine.
Molecular consequence: missense variant.
Genome position (GRCh38, 1-based): chr18:49,990,462, G>A on the plus strand (C>T on the coding strand, the complement: MYO5B is on the minus strand). VCF-style: chr18-49990462-G-A. GRCh37 (hg19) VCF-style: chr18-47516832-G-A.
Other names: short protein forms P272L.
Identifiers: ClinVar variation 2091457 (VCV002091457.4), dbSNP rs2511239426, ClinGen allele CA402437124.